The following is an entry in ClinVar:

ClinVar aggregate classification (germline): Conflicting classifications of pathogenicity. Review status: criteria provided, conflicting classifications (1 of 4 stars). 6 submissions from 6 submitters: Uncertain significance (5); Likely benign (1). Last evaluated 2025-08-09.

Conditions:
Hereditary nonpolyposis colorectal neoplasms. Identifiers: MedGen C0009405, MeSH D003123.
Lynch syndrome. Identifiers: Orphanet 144, MedGen C4552100, MONDO:0005835. Disease mechanism: loss of function.
Hereditary cancer-predisposing syndrome. Also called: Neoplastic Syndromes, Hereditary; Tumor predisposition; Hereditary Cancer Syndrome; Hereditary neoplastic syndrome. Identifiers: Orphanet 140162, MedGen C0027672, MeSH D009386, MONDO:0015356.

Allele frequency attached by ClinVar (database versions not stated): gnomAD exomes below 0.00001; ExAC 0.00001.

Submissions (6):

Labcorp Genetics (formerly Invitae), Labcorp
Classification: Uncertain significance for Hereditary nonpolyposis colorectal neoplasms. Last evaluated: 2025-08-09. Review status: criteria provided, single submitter. Criteria: Invitae Variant Classification Sherloc (09022015). Collection method: clinical testing. Allele origin: germline.
Comment: This sequence change replaces glutamic acid, which is acidic and polar, with lysine, which is basic and polar, at codon 642 of the PMS2 protein (p.Glu642Lys). This variant is present in population databases (rs752772040, gnomAD 0.003%). This variant has not been reported in the literature in individuals affected with PMS2-related conditions. ClinVar contains an entry for this variant (Variation ID: 820348). Invitae Evidence Modeling incorporating data from in vitro experimental studies (internal data) indicates that this missense variant is not expected to disrupt PMS2 function with a negative predictive value of 95%. In summary, the available evidence is currently insufficient to determine the role of this variant in disease. Therefore, it has been classified as a Variant of Uncertain Significance.

Ambry Genetics
Classification: Likely benign for Hereditary cancer-predisposing syndrome. Last evaluated: 2025-03-12. Review status: criteria provided, single submitter. Criteria: Ambry Variant Classification Scheme 2023. Collection method: clinical testing. Allele origin: germline.

All of Us Research Program, National Institutes of Health
Classification: Uncertain significance for Lynch syndrome. Last evaluated: 2023-06-28. Review status: criteria provided, single submitter. Criteria: ACMG Guidelines, 2015. Collection method: clinical testing. Allele origin: germline. Inheritance: Autosomal dominant inheritance. Observed: 3 variant alleles, 3 heterozygotes.
Comment: This missense variant replaces glutamic acid with lysine at codon 642 of the PMS2 protein. Computational prediction suggests that this variant may not impact protein structure and function (internally defined REVEL score threshold <= 0.5, PMID: 27666373). To our knowledge, functional studies have not been reported for this variant. This variant has not been reported in individuals affected with PMS2-related disorders in the literature. This variant has been identified in 1/251284 chromosomes in the general population by the Genome Aggregation Database (gnomAD). The available evidence is insufficient to determine the role of this variant in disease conclusively. Therefore, this variant is classified as a Variant of Uncertain Significance.

This study involves interpretation of variants in research participants for the purpose of population health screening. Participant phenotype was not available at the time of variant classification. Additional details can be found in publication PMID: 35346344, PMCID: PMC8962531

Quest Diagnostics Nichols Institute San Juan Capistrano
Classification: Uncertain significance. Last evaluated: 2023-02-08. Review status: criteria provided, single submitter. Criteria: Quest Diagnostics criteria. Collection method: clinical testing. Allele origin: unknown.
Comment: The frequency of this variant in the general population, 0.000004 (1/251284 chromosomes), is uninformative in assessment of its pathogenicity. The variant was identified along with other variants in different genes in specimens from a published study of advanced solid tumors (PMID: 29570743 (2018)). Analysis of this variant using bioinformatics tools for the prediction of the effect of amino acid changes on protein structure and function yielded predictions that this variant is benign. Based on the available information, we are unable to determine the clinical significance of this variant.

Sema4
Classification: Uncertain significance for Hereditary cancer-predisposing syndrome. Last evaluated: 2022-02-10. Review status: criteria provided, single submitter. Criteria: Sema4 Curation Guidelines. Collection method: curation. Allele origin: germline.
Comment: The PMS2 c.1924G>A (p.E642K) variant has not been reported in individuals with PMS2-related disease. It was observed in 1/34548 chromosomes in the Latino population according to the Genome Aggregation Database (PMID: 32461654). This variant has been reported in ClinVar (Variation ID: 820348). In silico tools suggest the impact of the variant on protein function is benign, though these predictions have not been confirmed by functional studies. The evidence is insufficient to meet ACMG/AMP criteria for classifying the variant as benign or pathogenic. Thus, the clinical significance of this variant is currently uncertain.

GeneDx
Classification: Uncertain significance. Last evaluated: 2019-08-05. Review status: criteria provided, single submitter. Criteria: GeneDx Variant Classification Process June 2021. Collection method: clinical testing. Allele origin: germline. Affected: yes.
Comment: Not observed at a significant frequency in large population cohorts (Lek et al., 2016); Has not been previously published as pathogenic or benign to our knowledge

Literature cited by the submitters: PubMed 29570743 (cited by Quest Diagnostics Nichols Institute San Juan Capistrano).

NM_000535.7(PMS2):c.1924G>A (p.Glu642Lys)

Gene: PMS2 (PMS1 homolog 2, mismatch repair system component; minus strand). Cytogenetic location: 7p22.1.
Variant type: single nucleotide variant.
Coding change: c.1924G>A on transcript NM_000535.7 (MANE Select); coding-DNA position 1924, G replaced by A.
Protein change: p.Glu642Lys; replaces glutamic acid 642 with lysine.
Molecular consequence: missense variant. On other transcripts: non-coding transcript variant (1).
Genome position (GRCh38, 1-based): chr7:5,986,841, C>T on the plus strand (G>A on the coding strand, the complement: PMS2 is on the minus strand). VCF-style: chr7-5986841-C-T. GRCh37 (hg19) VCF-style: chr7-6026472-C-T.
Other names: c.1924G>A (NM_000535.6); c.1519G>A, p.Glu507Lys (NM_001322003.2, NM_001322004.2, NM_001322005.2 and 1 more transcripts); c.1768G>A, p.Glu590Lys (NM_001322006.2); c.1606G>A, p.Glu536Lys (NM_001322007.2, NM_001322008.2); c.1363G>A, p.Glu455Lys (NM_001322010.2); c.991G>A, p.Glu331Lys (NM_001322011.2, NM_001322012.2); c.1351G>A, p.Glu451Lys (NM_001322013.2); c.1924G>A, p.Glu642Lys (NM_001322014.2); and 1 more; short protein forms E451K, E507K, E642K, E536K, E590K, E331K, E455K, E539K.
Identifiers: ClinVar variation 820348 (VCV000820348.18), dbSNP rs752772040, ClinGen allele CA045862.